The following is an entry in ClinVar:

ClinVar aggregate classification (germline): Conflicting classifications of pathogenicity. Review status: criteria provided, conflicting classifications (1 of 4 stars). 16 submissions from 16 submitters: Uncertain significance (10); Likely benign (2). 4 of the submissions do not count toward it. Last evaluated 2026-08-24.

Conditions:
BRCA2-related cancer predisposition. Identifiers: MedGen CN377758, MONDO:0700269.
BRCA2-related disorder. Also called: BRCA2-related condition; BRCA2-related disorders. Identifiers: MedGen CN239275.
Breast-ovarian cancer, familial, susceptibility to, 2 (BROVCA2). Also called: BRCA2 Hereditary Breast and Ovarian Cancer. Identifiers: Orphanet 145, MedGen C2675520, MONDO:0012933, OMIM 612555. Disease mechanism: loss of function.
Fanconi anemia complementation group D1. Also called: BRCA2-Related Fanconi Anemia. Identifiers: Orphanet 319462, MedGen C1838457, MONDO:0011584, OMIM 605724.
Medulloblastoma (MDB). Also called: MEDULLOBLASTOMA PREDISPOSITION SYNDROME; Medulloblastoma, somatic. Identifiers: Orphanet 616, MedGen C0025149, MeSH D008527, MONDO:0007959, OMIM 155255, HP:0002885.
Pancreatic cancer, susceptibility to, 2. Identifiers: Orphanet 1333, MedGen C3150546, MONDO:0013235, OMIM 613347.
Glioma susceptibility 3 (GLM3). Also called: Glioblastoma 3. Identifiers: Orphanet 182067, Orphanet 360, MedGen C2751641, MONDO:0013093, OMIM 613029.
Wilms tumor 1 (WT1). Also called: Wilms tumor, somatic. Identifiers: Orphanet 654, MedGen CN033288, MONDO:0008679, OMIM 194070.
Familial cancer of breast. Also called: hereditary breast carcinoma; BREAST CANCER, FAMILIAL; Hereditary breast cancer. Identifiers: Orphanet 227535, MedGen C0346153, MONDO:0016419, OMIM 114480. Disease mechanism: loss of function.
Prostate cancer. Also called: Malignant tumor of prostate. Identifiers: Orphanet 1331, MedGen C0376358, MONDO:0008315, HP:0012125.
Hereditary cancer-predisposing syndrome. Also called: Hereditary Cancer Syndrome; Neoplastic Syndromes, Hereditary; Hereditary neoplastic syndrome; Tumor predisposition. Identifiers: Orphanet 140162, MedGen C0027672, MeSH D009386, MONDO:0015356.
Breast neoplasm. Also called: Breast Neoplasms; Neoplasm of breast; Breast tumor; Neoplasm of the breast. Identifiers: MedGen C1458155, MeSH D001943, MONDO:0021100, HP:0100013. Disease mechanism: gain of function.
Hereditary breast ovarian cancer syndrome. Also called: Hereditary breast and ovarian cancer syndrome; Breast and ovarian cancer; Hereditary breast and ovarian cancer syndrome (HBOC); BRCA1- and BRCA2-Associated Hereditary Breast and Ovarian Cancer; Hereditary breast and/or ovarian cancer syndrome; Hereditary breast and ovarian cancer. Identifiers: Orphanet 145, MedGen C0677776, MeSH D061325, MONDO:0003582. Disease mechanism: loss of function.
Malignant tumor of breast. Also called: Malignant breast neoplasm; Cancer breast. Identifiers: MedGen C0006142, MONDO:0007254. Disease mechanism: loss of function.

Allele frequency attached by ClinVar (database versions not stated): TOPMed 0.00002.

Submissions 1 to 7 of 16:

PreventionGenetics, part of Exact Sciences
Classification: Uncertain significance for BRCA2-related condition. Last evaluated: 2026-08-24. Review status: criteria provided, single submitter. Criteria: ACMG Guidelines, 2015. Collection method: clinical testing. Allele origin: germline.
Comment: The BRCA2 c.6148G>A variant is predicted to result in the amino acid substitution p.Val2050Ile. This variant has been reported in individuals with breast and/or ovarian cancer (Bhaskaran et al. 2019. PubMed ID: 30702160; Suter et al. 2004. PubMed ID: 14973102; Dong et al. 2020. PubMed ID: 32467295; Zhang et al. 2022. PubMed ID: 35918668; Zhong et al. 2016. PubMed ID: 27257965). This variant has not been reported in a large population database (gnomAD), indicating it is rare and has conflicting interpretations in ClinVar ranging from likely benign to uncertain (Variation ID: 52019). Experimental studies indicate this variant does not impact BRCA2 function (Guo et al. 2023. PubMed ID: 37731132). At this time, the clinical significance of this variant is uncertain due to the absence of conclusive functional and genetic evidence.

Ambry Genetics
Classification: Likely benign for Hereditary cancer-predisposing syndrome. Last evaluated: 2025-11-06. Review status: criteria provided, single submitter. Criteria: Ambry Variant Classification Scheme 2023. Collection method: clinical testing. Allele origin: germline.

Color Diagnostics, LLC DBA Color Health
Classification: Uncertain significance for Hereditary cancer-predisposing syndrome. Last evaluated: 2025-09-30. Review status: criteria provided, single submitter. Criteria: ACMG Guidelines, 2015. Collection method: clinical testing. Allele origin: germline.
Comment: This missense variant replaces valine with isoleucine at codon 2050 of the BRCA2 protein. Computational prediction suggests that this variant may not impact protein structure and function. A functional study has reported that this variant does not impact BRCA2 in a homology-directed DNA repair assay (PMID: 37731132). This variant has been reported in three individuals affected with breast or ovarian cancer (PMID: 14973102, 27257965, 35918668). This variant also has been reported in breast, pancreatic and prostate cancer case-control studies in which the variant was absent in 7104 female and male breast cancer cases, 7636 prostate cancer cases and 1005 pancreatic cancer cases and found in at least 5 individuals affected with cancer (PMID: 30287823, 31214711, 32980694). This variant has not been identified in the general population by the Genome Aggregation Database (gnomAD). The available evidence is insufficient to determine the role of this variant in disease conclusively. Therefore, this variant is classified as a Variant of Uncertain Significance.

Labcorp Genetics (formerly Invitae), Labcorp
Classification: Uncertain significance for Hereditary breast ovarian cancer syndrome. Last evaluated: 2025-08-09. Review status: criteria provided, single submitter. Criteria: Invitae Variant Classification Sherloc (09022015). Collection method: clinical testing. Allele origin: germline.
Comment: This sequence change replaces valine, which is neutral and non-polar, with isoleucine, which is neutral and non-polar, at codon 2050 of the BRCA2 protein (p.Val2050Ile). This variant is not present in population databases (gnomAD no frequency). This missense change has been observed in individual(s) with breast and/or ovarian cancer (PMID: 10923033, 14973102, 27257965, 30702160, 35918668). ClinVar contains an entry for this variant (Variation ID: 52019). Invitae Evidence Modeling of protein sequence and biophysical properties (such as structural, functional, and spatial information, amino acid conservation, physicochemical variation, residue mobility, and thermodynamic stability) indicates that this missense variant is not expected to disrupt BRCA2 protein function with a negative predictive value of 95%. Experimental studies have shown that this missense change does not substantially affect BRCA2 function (PMID: 37731132). In summary, the available evidence is currently insufficient to determine the role of this variant in disease. Therefore, it has been classified as a Variant of Uncertain Significance.

Quest Diagnostics Nichols Institute San Juan Capistrano
Classification: Uncertain significance. Last evaluated: 2025-02-11. Review status: criteria provided, single submitter. Criteria: Quest Diagnostics criteria. Collection method: clinical testing. Allele origin: unknown.
Comment: The BRCA2 c.6148G>A (p.Val2050Ile) variant has been reported in the published literature in individual with breast and/or ovarian cancer (PMID: 35918668 (2022)). This variant has been identified in reportedly healthy individuals (PMID: 36243179 (2022), 32467295 (2020), 30287823 (2018)). Assessment of experimental evidence regarding the effect of this variant on protein function suggests it has no effect relevant to disease (PMID: 37731132 (2023)). However, additional studies are needed to validate these findings. This variant has not been reported in large, multi-ethnic general populations (Genome Aggregation Database). Analysis of this variant using bioinformatics tools for the prediction of the effect of amino acid changes on protein structure and function yielded predictions that this variant is benign. Based on the available information, we are unable to determine the clinical significance of this variant.

All of Us Research Program, National Institutes of Health
Classification: Uncertain significance for BRCA2-related cancer predisposition. Last evaluated: 2024-05-17. Review status: criteria provided, single submitter. Criteria: ACMG Guidelines, 2015. Collection method: clinical testing. Allele origin: germline. Inheritance: Autosomal dominant inheritance. Observed: 1 variant allele, 1 heterozygote.
Comment: This missense variant replaces valine with isoleucine at codon 2050 of the BRCA2 protein. Computational prediction suggests that this variant may not impact protein structure and function (internally defined REVEL score threshold <= 0.5, PMID: 27666373). To our knowledge, functional studies have not been reported for this variant. This variant has been reported in two individuals affected with breast cancer (PMID: 14973102, 27257965) and in breast, prostate and pancreatic cancer case-control studies in which this variant was only detected in unaffected individuals and absent in cancer cases (PMID: 30287823, 31214711, 32980694). This variant has not been identified in the general population by the Genome Aggregation Database (gnomAD). The available evidence is insufficient to determine the role of this variant in disease conclusively. Therefore, this variant is classified as a Variant of Uncertain Significance.

This study involves interpretation of variants in research participants for the purpose of population health screening. Participant phenotype was not available at the time of variant classification. Additional details can be found in publication PMID: 35346344, PMCID: PMC8962531

University of Washington Department of Laboratory Medicine, University of Washington
Classification: Likely benign for Hereditary cancer-predisposing syndrome. Last evaluated: 2023-03-23. Review status: criteria provided, single submitter. Criteria: Dines et al. (Genet Med. 2020). Collection method: curation. Allele origin: germline.
Comment: Missense variant in a coldspot region where missense variants are very unlikely to be pathogenic (PMID:31911673).

BRCA2 exon 11 coldspot. Reclassification based on statistical prior probability.

NM_000059.4(BRCA2):c.6148G>A (p.Val2050Ile)

Gene: BRCA2 (BRCA2 DNA repair associated; plus strand). Cytogenetic location: 13q13.1.
Variant type: single nucleotide variant.
Coding change: c.6148G>A on transcript NM_000059.4 (MANE Select); coding-DNA position 6148, G replaced by A.
Protein change: p.Val2050Ile; replaces valine 2050 with isoleucine.
Molecular consequence: missense variant.
Genome position (GRCh38, 1-based): chr13:32,340,503, G>A. VCF-style: chr13-32340503-G-A. GRCh37 (hg19) VCF-style: chr13-32914640-G-A.
Other names: 6376G>A; short protein forms V2050I.
Identifiers: ClinVar variation 52019 (VCV000052019.28), dbSNP rs80358854, ClinGen allele CA023698.
Genomic context (GRCh38, chr13:32,340,503, plus strand): 5'-AATACTGCTATACGTACTCCAGAACATTTAATATCCCAAAAAGGCTTTTCATATAATGTG[G>A]TAAATTCATCTGCTTTCTCTGGATTTAGTACAGCAAGTGGAAAGCAAGTTTCCATTTTAG-3'
Protein context (NP_000050.3, residues 2040-2060): ISQKGFSYNV[Val2050Ile]NSSAFSGFST